The following is an entry in ClinVar:

ClinVar aggregate classification (germline): Uncertain significance. Review status: criteria provided, multiple submitters, no conflicts (2 of 4 stars). 2 submissions from 2 submitters: Uncertain significance (2). Last evaluated 2023-06-05.

Conditions:
Spastic paraplegia. Identifiers: MedGen C0037772, HP:0001258.

Submissions (2):

Labcorp Genetics (formerly Invitae), Labcorp
Classification: Uncertain significance for Spastic paraplegia. Last evaluated: 2023-06-05. Review status: criteria provided, single submitter. Criteria: Invitae Variant Classification Sherloc (09022015). Collection method: clinical testing. Allele origin: germline.
Comment: In summary, the available evidence is currently insufficient to determine the role of this variant in disease. Therefore, it has been classified as a Variant of Uncertain Significance. Advanced modeling of protein sequence and biophysical properties (such as structural, functional, and spatial information, amino acid conservation, physicochemical variation, residue mobility, and thermodynamic stability) has been performed at Invitae for this missense variant, however the output from this modeling did not meet the statistical confidence thresholds required to predict the impact of this variant on KIF5A protein function. ClinVar contains an entry for this variant (Variation ID: 1376820). This missense change has been observed in individual(s) with clinical features of KIF5A-related conditions (Invitae). It has also been observed to segregate with disease in related individuals. This variant is not present in population databases (gnomAD no frequency). This sequence change replaces serine, which is neutral and polar, with isoleucine, which is neutral and non-polar, at codon 240 of the KIF5A protein (p.Ser240Ile).

Blueprint Genetics
Classification: Uncertain significance. Last evaluated: 2019-12-21. Review status: criteria provided, single submitter. Criteria: ACMG Guidelines, 2015. Collection method: clinical testing. Allele origin: germline.

NM_004984.4(KIF5A):c.719G>T (p.Ser240Ile)

Gene: KIF5A (kinesin family member 5A; plus strand). Cytogenetic location: 12q13.3.
Variant type: single nucleotide variant.
Coding change: c.719G>T on transcript NM_004984.4 (MANE Select); coding-DNA position 719, G replaced by T.
Protein change: p.Ser240Ile; replaces serine 240 with isoleucine.
Molecular consequence: missense variant.
Genome position (GRCh38, 1-based): chr12:57,568,967, G>T. VCF-style: chr12-57568967-G-T. GRCh37 (hg19) VCF-style: chr12-57962750-G-T.
Other names: c.452G>T, p.Ser151Ile (NM_001354705.2); short protein forms S151I, S240I.
Identifiers: ClinVar variation 1376820 (VCV001376820.7), dbSNP rs2140162534, ClinGen allele CA385499795.